The following is an entry in ClinVar:

ClinVar aggregate classification (germline): Pathogenic. Review status: reviewed by expert panel (3 of 4 stars). 2 submissions from 2 submitters: Pathogenic (1). 1 of the submissions does not count toward it. Last evaluated 2016-09-08.

Conditions:
Breast-ovarian cancer, familial, susceptibility to, 1 (BROVCA1). Also called: OVARIAN CANCER, SUSCEPTIBILITY TO; BRCA1 Hereditary Breast and Ovarian Cancer. Identifiers: Orphanet 145, MedGen C2676676, MONDO:0011450, OMIM 604370. Disease mechanism: loss of function.

Submissions (2):

Evidence-based Network for the Interpretation of Germline Mutant Alleles (ENIGMA)
Classification: Pathogenic for Breast-ovarian cancer, familial, susceptibility to, 1. Last evaluated: 2016-09-08. Review status: reviewed by expert panel. Criteria: ENIGMA BRCA1/2 Classification Criteria (2015). Collection method: curation. Allele origin: germline.
Comment: Variant allele predicted to encode a truncated non-functional protein.

Sharing Clinical Reports Project (SCRP)
Classification: Pathogenic for Breast-ovarian cancer, familial 1. Last evaluated: 2012-02-03. Review status: no assertion criteria provided. Collection method: clinical testing. Allele origin: germline. Not counted in ClinVar's aggregate classification.

NM_007294.4(BRCA1):c.466dup (p.Leu156fs)

Gene: BRCA1 (BRCA1 DNA repair associated; minus strand). Cytogenetic location: 17q21.31.
Variant type: Duplication.
Coding change: c.466dup on transcript NM_007294.4 (MANE Select); coding-DNA position 466, one base duplicated (C; older notation c.466dupC).
Protein change: p.Leu156fs; shifts the reading frame from leucine 156.
Molecular consequence: frameshift variant. On other transcripts: non-coding transcript variant (1).
Genome position (GRCh38, 1-based): chr17:43,099,856, G duplicated on the plus strand (C on the coding strand, the reverse complement: BRCA1 is on the minus strand). VCF-style (leftmost placement, unchanged base first): chr17-43099855-A-AG. GRCh37 (hg19) VCF-style: chr17-41251872-A-AG.
Other names: 585insC; c.466dupC (NM_007294.3); c.325dup, p.Leu109Profs (NM_001407850.1, NM_001407851.1, NM_001407852.1 and 60 more transcripts); c.253dup, p.Leu85Profs (NM_001407853.1, NM_001407894.1, NM_001407895.1 and 18 more transcripts); c.466dup, p.Leu156Profs (NM_001407854.1, NM_001407858.1, NM_001407859.1 and 95 more transcripts); c.463dup, p.Leu155Profs (NM_001407860.1, NM_001407861.1, NM_001407940.1 and 65 more transcripts); c.388dup, p.Leu130Profs (NM_001407862.1, NM_001408409.1, NM_001408411.1 and 12 more transcripts); c.385dup, p.Leu129Profs (NM_001407874.1, NM_001407875.1, NM_001408413.1 and 6 more transcripts); and 8 more; short protein forms L109fs, L156fs.
Identifiers: ClinVar variation 37602 (VCV000037602.3), dbSNP rs397507236, ClinGen allele CA002953.